The following is an entry in ClinVar:

NM_002878.4(RAD51D):c.668-4_670delinsCC

Genes: RAD51L3-RFFL (RAD51L3-RFFL readthrough; minus strand), RAD51D (RAD51 paralog D; minus strand). Cytogenetic location: 17q12.
Variant type: Indel.
Coding change: c.668-4_670delinsCC on transcript NM_002878.4 (MANE Select); 4 bases into the intron before coding-DNA position 668 through coding-DNA position 670, GCAGGCT replaced by CC.
Molecular consequence: splice acceptor variant.
Genome position (GRCh38, 1-based): chr17:35,103,322-35,103,328, AGCCTGC replaced by GG on the plus strand (GCAGGCT replaced by CC on the coding strand, the reverse complement: RAD51D is on the minus strand). VCF-style: chr17-35103322-AGCCTGC-GG. GRCh37 (hg19) VCF-style: chr17-33430341-AGCCTGC-GG.
Other names: c.332-4_334delinsCC (NM_133629.3); c.728-4_730delinsCC (NM_001142571.2); c.668-4_670delGCAGGCTinsCC (NM_002878.3).
Identifiers: ClinVar variation 3148184 (VCV003148184.1), dbSNP rs2509129209, ClinGen allele CA2825002490.

ClinVar aggregate classification (germline): Pathogenic/Likely pathogenic. Review status: criteria provided, multiple submitters, no conflicts (2 of 4 stars). 2 submissions from 2 submitters: Pathogenic (1); Likely pathogenic (1). Last evaluated 2024-01-04.

Conditions:
Breast-ovarian cancer, familial, susceptibility to, 4. Identifiers: Orphanet 145, MedGen C3280345, MONDO:0013669, OMIM 614291.
Hereditary cancer-predisposing syndrome. Also called: Neoplastic Syndromes, Hereditary; Tumor predisposition; Hereditary neoplastic syndrome; Hereditary Cancer Syndrome. Identifiers: Orphanet 140162, MedGen C0027672, MeSH D009386, MONDO:0015356.

Submissions (2):

Myriad Genetics, Inc.
Classification: Likely pathogenic for Breast-ovarian cancer, familial, susceptibility to, 4. Last evaluated: 2024-01-04. Review status: criteria provided, single submitter. Criteria: Myriad Autosomal Dominant, Autosomal Recessive and X-Linked Classification Criteria (2023). Collection method: clinical testing. Allele origin: unknown.
Comment: This variant is considered likely pathogenic. This variant occurs within a consensus splice junction and is predicted to result in abnormal mRNA splicing of either an out-of-frame exon or an in-frame exon necessary for protein stability and/or normal function.

Ambry Genetics
Classification: Pathogenic for Hereditary cancer-predisposing syndrome. Last evaluated: 2022-11-30. Review status: criteria provided, single submitter. Criteria: Ambry Variant Classification Scheme 2023. Collection method: clinical testing. Allele origin: germline.
Comment: The c.668-4_670delGCAGGCTinsCC pathogenic mutation, located between intron 7 and coding exon 8 of the RAD51D gene, results from a deletion of GCAGGCT and insertion of CC at nucleotide positions 668-4 to 670. This results in a stop codon at codon 230 (p.Glu223Valfs*7). This variant is considered to be rare based on population cohorts in the Genome Aggregation Database (gnomAD). This alteration is expected to result in loss of function by premature protein truncation or nonsense-mediated mRNA decay. As such, this alteration is interpreted as a disease-causing mutation.